The following is an entry in ClinVar:

NM_001386795.1(DTNA):c.1695C>T (p.Ser565=)

Gene: DTNA (dystrobrevin alpha; plus strand). Cytogenetic location: 18q12.1.
Variant type: single nucleotide variant.
Coding change: c.1695C>T on transcript NM_001386795.1 (MANE Select); coding-DNA position 1695, C replaced by T.
Protein change: p.Ser565=; no amino-acid change (serine 565 retained).
Molecular consequence: synonymous variant.
Genome position (GRCh38, 1-based): chr18:34,864,014, C>T. VCF-style: chr18-34864014-C-T. GRCh37 (hg19) VCF-style: chr18-32443978-C-T.
Other names: c.1434C>T, p.Ser478= (NM_001198938.2, NM_001198939.2, NM_001198940.2 and 9 more transcripts); c.741C>T, p.Ser247= (NM_001198942.1); c.684C>T, p.Ser228= (NM_001198943.1); c.570C>T, p.Ser190= (NM_001198944.1); c.864C>T, p.Ser288= (NM_001198945.2); c.1524C>T, p.Ser508= (NM_001386754.1, NM_001386755.1, NM_001386756.1 and 4 more transcripts); c.1521C>T, p.Ser507= (NM_001386760.1); c.1443C>T, p.Ser481= (NM_001386761.1, NM_032975.4, NM_032979.5); and 7 more.
Identifiers: ClinVar variation 191653 (VCV000191653.36), dbSNP rs774966330, ClinGen allele CA237165.

ClinVar aggregate classification (germline): Conflicting classifications of pathogenicity. Review status: criteria provided, conflicting classifications (1 of 4 stars). 3 submissions from 3 submitters: Uncertain significance (1); Likely benign (2). Last evaluated 2025-09-08.

Conditions:
Left ventricular noncompaction 1 (LVNC1). Also called: LEFT VENTRICULAR NONCOMPACTION 1 WITH OR WITHOUT CONGENITAL HEART DEFECTS. Identifiers: Orphanet 54260, MedGen C1858725, MONDO:0011403, OMIM 604169.

Allele frequency attached by ClinVar (database versions not stated): gnomAD 0.00001; gnomAD exomes 0.00001 and 0.00002; TOPMed 0.00001; ExAC 0.00003.
gnomAD v4.1: 13 of 1,612,030 alleles (0.00081%); highest among the groups gnomAD compares: Middle Eastern, 0.016%; no homozygotes.

Submissions (3):

Labcorp Genetics (formerly Invitae), Labcorp
Classification: Likely benign for Left ventricular noncompaction 1. Last evaluated: 2025-09-08. Review status: criteria provided, single submitter. Criteria: Invitae Variant Classification Sherloc (09022015). Collection method: clinical testing. Allele origin: germline.

CeGaT Center for Human Genetics Tuebingen
Classification: Likely benign. Last evaluated: 2023-03-01. Review status: criteria provided, single submitter. Criteria: CeGaT Center For Human Genetics Tuebingen Variant Classification Criteria Version 2. Collection method: clinical testing. Allele origin: germline. Affected: yes. Observed: 1 variant allele.
Comment: DTNA: BS1

Biesecker Lab/Clinical Genomics Section, National Institutes of Health
Classification: Uncertain significance. Last evaluated: 2013-06-24. Review status: criteria provided, single submitter. Criteria: Ng et al. (Circ Cardiovasc Genet. 2013). Collection method: research. Allele origin: unknown. Observed: 1 variant allele. Study: ClinSeq.
Comment: The study set was not selected for affection status in relation to any cancer. Pathogenicity categories were based on literature curation. See Pubmed ID:23861362 for details.

Medical sequencing